The following is an entry in ClinVar:

NM_001478.5(B4GALNT1):c.1077C>A (p.Phe359Leu)

Gene: B4GALNT1 (beta-1,4-N-acetyl-galactosaminyltransferase 1; minus strand). Cytogenetic location: 12q13.3.
Variant type: single nucleotide variant.
Coding change: c.1077C>A on transcript NM_001478.5 (MANE Select); coding-DNA position 1077, C replaced by A.
Protein change: p.Phe359Leu; replaces phenylalanine 359 with leucine.
Molecular consequence: missense variant.
Genome position (GRCh38, 1-based): chr12:57,628,188, G>T on the plus strand (C>A on the coding strand, the complement: B4GALNT1 is on the minus strand). VCF-style: chr12-57628188-G-T. GRCh37 (hg19) VCF-style: chr12-58021971-G-T.
Other names: c.912C>A, p.Phe304Leu (NM_001276468.2, NM_001413978.1); c.1212C>A, p.Phe404Leu (NM_001413967.1, NM_001413968.1, NM_001413969.1); c.1077C>A, p.Phe359Leu (NM_001413970.1, NM_001413971.1, NM_001413972.1 and 2 more transcripts); c.978C>A, p.Phe326Leu (NM_001413977.1); c.225C>A, p.Phe75Leu (NM_001413981.1); c.90C>A, p.Phe30Leu (NM_001413982.1, NM_001413983.1, NM_001413984.1); short protein forms F304L, F30L, F326L, F359L, F404L, F75L.
Identifiers: ClinVar variation 2662405 (VCV002662405.1), dbSNP rs541794502, ClinGen allele CA385495566.

ClinVar aggregate classification (germline): Uncertain significance (1 of 4 stars; one submission).

Submission:

GeneDx
Classification: Uncertain significance. Last evaluated: 2023-04-14. Review status: criteria provided, single submitter. Criteria: GeneDx Variant Classification Process June 2021. Collection method: clinical testing. Allele origin: germline. Affected: yes.
Comment: Not observed at significant frequency in large population cohorts (gnomAD); In silico analysis supports that this missense variant has a deleterious effect on protein structure/function; Has not been previously published as pathogenic or benign to our knowledge